The following is an entry in ClinVar:

ClinVar aggregate classification (germline): Uncertain significance (1 of 4 stars; one submission).

Conditions:
Inborn genetic diseases. Identifiers: MedGen C0950123, MeSH D030342.

Submission:

Ambry Genetics
Classification: Uncertain significance for Inborn genetic diseases. Last evaluated: 2024-03-21. Review status: criteria provided, single submitter. Criteria: Ambry Variant Classification Scheme 2023. Collection method: clinical testing. Allele origin: germline.
Comment: The p.P87S variant (also known as c.259C>T), located in coding exon 3 of the MDH2 gene, results from a C to T substitution at nucleotide position 259. The proline at codon 87 is replaced by serine, an amino acid with similar properties. This amino acid position is conserved. In addition, the in silico prediction for this alteration is inconclusive. Based on the available evidence, the clinical significance of this alteration remains unclear.

NM_005918.4(MDH2):c.259C>T (p.Pro87Ser)

Gene: MDH2 (malate dehydrogenase 2; plus strand). Cytogenetic location: 7q11.23.
Variant type: single nucleotide variant.
Coding change: c.259C>T on transcript NM_005918.4 (MANE Select); coding-DNA position 259, C replaced by T.
Protein change: p.Pro87Ser; replaces proline 87 with serine.
Molecular consequence: missense variant. On other transcripts: 5 prime UTR variant (1).
Genome position (GRCh38, 1-based): chr7:76,057,433, C>T. VCF-style: chr7-76057433-C-T. GRCh37 (hg19) VCF-style: chr7-75686751-C-T.
Other names: c.259C>T, p.Pro87Ser (NM_001282403.2); c.-63C>T (NM_001282404.2); short protein forms P87S.
Identifiers: ClinVar variation 3293820 (VCV003293820.1).
Genomic context (GRCh38, chr7:76,057,433, plus strand): 5'-AAACGGTGACATTTCTCTTGTGGGGTGTTTGTTCTAGGCTACCTCGGACCTGAACAGCTG[C>T]CTGACTGCCTGAAAGGTTGTGATGTGGTAGTTATTCCGGCTGGAGTCCCCAGAAAGCCAG-3'
Protein context (NP_005909.2, residues 77-97): VKGYLGPEQL[Pro87Ser]DCLKGCDVVV